The following is an entry in ClinVar:

ClinVar aggregate classification (germline): Conflicting classifications of pathogenicity. Review status: criteria provided, conflicting classifications (1 of 4 stars). 4 submissions from 4 submitters: Uncertain significance (3); Benign (1). Last evaluated 2025-11-05.

Conditions:
Cardiovascular phenotype. Identifiers: MedGen CN230736.
Arrhythmogenic right ventricular dysplasia 12. Also called: ARRHYTHMOGENIC RIGHT VENTRICULAR DYSPLASIA, FAMILIAL, 12. Identifiers: MedGen C1969081, MONDO:0012684, OMIM 611528.
Naxos disease (NXD). Also called: KERATOSIS PALMOPLANTARIS WITH ARRHYTHMOGENIC CARDIOMYOPATHY; MAL DE NAXOS; PALMOPLANTAR KERATODERMA WITH ARRHYTHMOGENIC RIGHT VENTRICULAR CARDIOMYOPATHY AND WOOLLY HAIR; WOOLLY HAIR, PALMOPLANTAR KERATODERMA, AND CARDIAC ABNORMALITIES; CARDIOMYOPATHY, ARRHYTHMOGENIC RIGHT VENTRICULAR, WITH SKIN, HAIR, AND NAIL ABNORMALITIES. Identifiers: Orphanet 34217, MedGen C1832600, MONDO:0011017, OMIM 601214.

Allele frequency attached by ClinVar (database versions not stated): gnomAD 0.00001; gnomAD exomes 0.00004 and 0.00008; TOPMed 0.00005; ExAC 0.00010; 1000 Genomes Project 30x 0.00016; 1000 Genomes Project 0.00020.
gnomAD v4.1: 72 of 1,614,228 alleles (0.0045%); highest among the groups gnomAD compares: Admixed American, 0.032%; no homozygotes.

Submissions (4):

Labcorp Genetics (formerly Invitae), Labcorp
Classification: Uncertain significance for Arrhythmogenic right ventricular dysplasia 12; Naxos disease. Last evaluated: 2025-11-05. Review status: criteria provided, single submitter. Criteria: Invitae Variant Classification Sherloc (09022015). Collection method: clinical testing. Allele origin: germline.
Comment: This sequence change replaces valine, which is neutral and non-polar, with isoleucine, which is neutral and non-polar, at codon 405 of the JUP protein (p.Val405Ile). This variant is present in population databases (rs200019016, gnomAD 0.03%). This missense change has been observed in individual(s) with dilated cardiomyopathy (PMID: 32746448). ClinVar contains an entry for this variant (Variation ID: 163718). An algorithm developed to predict the effect of missense changes on protein structure and function (PolyPhen-2) suggests that this variant is likely to be tolerated. In summary, the available evidence is currently insufficient to determine the role of this variant in disease. Therefore, it has been classified as a Variant of Uncertain Significance.

Ambry Genetics
Classification: Benign for Cardiovascular phenotype. Last evaluated: 2025-02-04. Review status: criteria provided, single submitter. Criteria: Ambry Variant Classification Scheme 2023. Collection method: clinical testing. Allele origin: germline.

Fulgent Genetics
Classification: Uncertain significance for Naxos disease; Arrhythmogenic right ventricular dysplasia 12. Last evaluated: 2024-05-01. Review status: criteria provided, single submitter. Criteria: ACMG Guidelines, 2015. Collection method: clinical testing. Allele origin: germline.

Laboratory for Molecular Medicine, Mass General Brigham Personalized Medicine
Classification: Uncertain significance. Last evaluated: 2013-10-15. Review status: criteria provided, single submitter. Criteria: LMM Criteria. Collection method: clinical testing. Allele origin: germline. Observed: 1 variant allele.
Comment: The Val405Ile variant in JUP has not been previously reported in individuals wit h cardiomyopathy, but has been identified in 1/192 Kenyan chromosomes by the 100 0 Genomes Project (dbSNP rs200019016). Lack of evolutionary conservation suggest s that the variant may not impact the protein, though this information is not pr edictive enough to rule out pathogenicity. Additional information is needed to f ully assess the clinical significance of the Val405Ile variant.

Literature cited by the submitters: PubMed 32746448 (cited by Labcorp Genetics (formerly Invitae), Labcorp).

NM_002230.4(JUP):c.1213G>A (p.Val405Ile)

Gene: JUP (junction plakoglobin; minus strand). Cytogenetic location: 17q21.2.
Variant type: single nucleotide variant.
Coding change: c.1213G>A on transcript NM_002230.4 (MANE Select); coding-DNA position 1213, G replaced by A.
Protein change: p.Val405Ile; replaces valine 405 with isoleucine.
Molecular consequence: missense variant.
Genome position (GRCh38, 1-based): chr17:41,763,267, C>T on the plus strand (G>A on the coding strand, the complement: JUP is on the minus strand). VCF-style: chr17-41763267-C-T. GRCh37 (hg19) VCF-style: chr17-39919519-C-T.
Other names: c.1213G>A, p.Val405Ile (NM_001352773.2, NM_001352774.2, NM_001352775.2 and 3 more transcripts); short protein forms V405I.
Identifiers: ClinVar variation 163718 (VCV000163718.16), dbSNP rs200019016, ClinGen allele CA176384.
Genomic context (GRCh38, chr17:41,763,267, plus strand): 5'-TCTTGCTGTTGTTGCATGTCAGGTTGGAGAGTGTGCCCGTGGCACAGGTGAGGACGTTGA[C>T]GTCATCCACACTCAGCTGATTCACCAGAATCTTCAGCACACTCTCCAGGCCCTCCTGGAG-3'
Protein context (NP_002221.1, residues 395-415): ILVNQLSVDD[Val405Ile]NVLTCATGTL